The following is an entry in ClinVar:

NM_001367823.1(ARHGEF18):c.3406C>T (p.Arg1136Cys)

Gene: ARHGEF18 (Rho/Rac guanine nucleotide exchange factor 18; plus strand). Cytogenetic location: 19p13.2.
Variant type: single nucleotide variant.
Coding change: c.3406C>T on transcript NM_001367823.1 (MANE Select); coding-DNA position 3406, C replaced by T.
Protein change: p.Arg1136Cys; replaces arginine 1136 with cysteine.
Molecular consequence: missense variant.
Genome position (GRCh38, 1-based): chr19:7,467,610, C>T. VCF-style: chr19-7467610-C-T. GRCh37 (hg19) VCF-style: chr19-7532496-C-T.
Other names: c.2680C>T, p.Arg894Cys (NM_001130955.2); c.2368C>T, p.Arg790Cys (NM_001367824.1, NM_015318.4); short protein forms R790C, R894C, R1136C.
Identifiers: ClinVar variation 1972493 (VCV001972493.2), dbSNP rs776350022, ClinGen allele CA9137137.
Genomic context (GRCh38, chr19:7,467,610, plus strand): 5'-TACCAGCACGACCTGGAGCGGCTGCGCGAGGCCCAGCGTGCCGTGGAGCGCGAGCGGGAG[C>T]GCCTGGAGCTGCTGCGCCGCCTCAAGAAGCAGAACACCGCGCCAGGCGCGCTGCCGCCCG-3'
Protein context (NP_001354752.1, residues 1126-1146): AQRAVERERE[Arg1136Cys]LELLRRLKKQ

ClinVar aggregate classification (germline): Uncertain significance (1 of 4 stars; one submission).

Allele frequency attached by ClinVar (database versions not stated): TOPMed 0.00001; ExAC 0.00014.

Submission:

Labcorp Genetics (formerly Invitae), Labcorp
Classification: Uncertain significance. Last evaluated: 2022-07-12. Review status: criteria provided, single submitter. Criteria: Invitae Variant Classification Sherloc (09022015). Collection method: clinical testing. Allele origin: germline.
Comment: This sequence change replaces arginine, which is basic and polar, with cysteine, which is neutral and slightly polar, at codon 948 of the ARHGEF18 protein (p.Arg948Cys). The frequency data for this variant in the population databases is considered unreliable, as metrics indicate poor data quality at this position in the gnomAD database. This variant has not been reported in the literature in individuals affected with ARHGEF18-related conditions. Algorithms developed to predict the effect of missense changes on protein structure and function (SIFT, PolyPhen-2, Align-GVGD) all suggest that this variant is likely to be disruptive. In summary, the available evidence is currently insufficient to determine the role of this variant in disease. Therefore, it has been classified as a Variant of Uncertain Significance.